The following is an entry in ClinVar:

NM_000038.6(APC):c.2499C>A (p.Ser833Arg)

Gene: APC (APC regulator of Wnt signaling pathway; plus strand). Cytogenetic location: 5q22.2.
Variant type: single nucleotide variant.
Coding change: c.2499C>A on transcript NM_000038.6 (MANE Select); coding-DNA position 2499, C replaced by A.
Protein change: p.Ser833Arg; replaces serine 833 with arginine.
Molecular consequence: missense variant. On other transcripts: non-coding transcript variant (2).
Genome position (GRCh38, 1-based): chr5:112,838,093, C>A. VCF-style: chr5-112838093-C-A. GRCh37 (hg19) VCF-style: chr5-112173790-C-A.
Other names: c.2499C>A, p.Ser833Arg (NM_001354895.2, NM_001127510.3, NM_001407450.1); c.2553C>A, p.Ser851Arg (NM_001354896.2, NM_001407447.1, NM_001407448.1 and 1 more transcripts); c.2529C>A, p.Ser843Arg (NM_001354897.2); c.2424C>A, p.Ser808Arg (NM_001354898.2); c.2415C>A, p.Ser805Arg (NM_001354899.2); c.2376C>A, p.Ser792Arg (NM_001354900.2); c.2322C>A, p.Ser774Arg (NM_001354901.2, NM_001407453.1); c.2226C>A, p.Ser742Arg (NM_001354902.2); and 11 more; short protein forms S550R, S792R, S815R, S673R, S750R, S826R, S833R, S707R.
Identifiers: ClinVar variation 4827288 (VCV004827288.1).

ClinVar aggregate classification (germline): Uncertain significance (1 of 4 stars; one submission).

Conditions:
Hereditary cancer-predisposing syndrome. Also called: Neoplastic Syndromes, Hereditary; Tumor predisposition; Hereditary Cancer Syndrome; Hereditary neoplastic syndrome. Identifiers: Orphanet 140162, MedGen C0027672, MeSH D009386, MONDO:0015356.

Submission:

Ambry Genetics
Classification: Uncertain significance for Hereditary cancer-predisposing syndrome. Last evaluated: 2026-02-25. Review status: criteria provided, single submitter. Criteria: Ambry Variant Classification Scheme 2023. Collection method: clinical testing. Allele origin: germline.
Comment: The p.S833R variant (also known as c.2499C>A), located in coding exon 15 of the APC gene, results from a C to A substitution at nucleotide position 2499. The serine at codon 833 is replaced by arginine, an amino acid with dissimilar properties. This amino acid position is conserved. In addition, in silico predictors for this gene do not accurately predict pathogenicity. Based on the available evidence, the clinical significance of this variant remains unclear.